The following is an entry in ClinVar:

NM_003384.3(VRK1):c.184G>A (p.Val62Ile)

Gene: VRK1 (VRK serine/threonine kinase 1; plus strand). Cytogenetic location: 14q32.2.
Variant type: single nucleotide variant.
Coding change: c.184G>A on transcript NM_003384.3 (MANE Select); coding-DNA position 184, G replaced by A.
Protein change: p.Val62Ile; replaces valine 62 with isoleucine.
Molecular consequence: missense variant.
Genome position (GRCh38, 1-based): chr14:96,837,785, G>A. VCF-style: chr14-96837785-G-A. GRCh37 (hg19) VCF-style: chr14-97304122-G-A.
Other names: short protein forms V62I.
Identifiers: ClinVar variation 437263 (VCV000437263.9), dbSNP rs1555360117, ClinGen allele CA390931851.

ClinVar aggregate classification (germline): Uncertain significance. Review status: criteria provided, multiple submitters, no conflicts (2 of 4 stars). 2 submissions from 2 submitters: Uncertain significance (2). Last evaluated 2021-12-02.

Conditions:
Pontocerebellar hypoplasia type 1A (PCH1A). Also called: PONTOCEREBELLAR HYPOPLASIA WITH ANTERIOR HORN CELL DISEASE; PONTOCEREBELLAR HYPOPLASIA WITH INFANTILE SPINAL MUSCULAR ATROPHY. Identifiers: Orphanet 2254, Orphanet 88616, MedGen C1843504, MONDO:0011866, OMIM 607596.

gnomAD v4.1: 1 of 1,566,444 alleles (0.000064%); no homozygotes.

Submissions (2):

Labcorp Genetics (formerly Invitae), Labcorp
Classification: Uncertain significance for Pontocerebellar hypoplasia type 1A. Last evaluated: 2021-12-02. Review status: criteria provided, single submitter. Criteria: Invitae Variant Classification Sherloc (09022015). Collection method: clinical testing. Allele origin: germline.
Comment: This sequence change replaces valine, which is neutral and non-polar, with isoleucine, which is neutral and non-polar, at codon 62 of the VRK1 protein (p.Val62Ile). This variant is not present in population databases (gnomAD no frequency). This variant has not been reported in the literature in individuals affected with VRK1-related conditions. ClinVar contains an entry for this variant (Variation ID: 437263). Algorithms developed to predict the effect of missense changes on protein structure and function (SIFT, PolyPhen-2, Align-GVGD) all suggest that this variant is likely to be tolerated. In summary, the available evidence is currently insufficient to determine the role of this variant in disease. Therefore, it has been classified as a Variant of Uncertain Significance.

Genetic Services Laboratory, University of Chicago
Classification: Uncertain significance. Last evaluated: 2016-05-23. Review status: criteria provided, single submitter. Criteria: ACMG Guidelines, 2015. Collection method: clinical testing. Allele origin: germline. Affected: no.